The following is an entry in ClinVar:

NM_018979.4(WNK1):c.2140-2157A>G

Gene: WNK1 (WNK lysine deficient protein kinase 1; plus strand). Cytogenetic location: 12p13.33.
Variant type: single nucleotide variant.
Coding change: c.2140-2157A>G on transcript NM_018979.4 (MANE Select); 2157 bases into the intron before coding-DNA position 2140, A replaced by G.
Molecular consequence: intron variant.
Genome position (GRCh38, 1-based): chr12:869,108, A>G. VCF-style: chr12-869108-A-G. GRCh37 (hg19) VCF-style: chr12-978274-A-G.
Other names: c.3633+4A>G (NM_213655.5); c.3378+4A>G (NM_001184985.2); c.2140-2157A>G (NM_014823.3).
Identifiers: ClinVar variation 2939928 (VCV002939928.3), dbSNP rs2548808154, ClinGen allele CA383342527.

ClinVar aggregate classification (germline): Uncertain significance (1 of 4 stars; one submission).

Conditions:
Neuropathy, hereditary sensory and autonomic, type 2A (HSAN2A). Also called: ACROOSTEOLYSIS, GIACCAI TYPE; ACROOSTEOLYSIS, NEUROGENIC; MORVAN DISEASE; NEUROPATHY, CONGENITAL SENSORY; NEUROPATHY, HEREDITARY SENSORY RADICULAR, AUTOSOMAL RECESSIVE; NEUROPATHY, HEREDITARY SENSORY, TYPE IIA. Identifiers: Orphanet 970, MedGen C2752089, MONDO:0024309, OMIM 201300.
Pseudohypoaldosteronism type 2C (PHA2C). Also called: Pseudohypoaldosteronism Type IIC. Identifiers: Orphanet 757, Orphanet 88940, MedGen C1840391, MONDO:0013778, OMIM 614492.

Submission:

Labcorp Genetics (formerly Invitae), Labcorp
Classification: Uncertain significance for Neuropathy, hereditary sensory and autonomic, type 2A; Pseudohypoaldosteronism type 2C. Last evaluated: 2022-11-30. Review status: criteria provided, single submitter. Criteria: Invitae Variant Classification Sherloc (09022015). Collection method: clinical testing. Allele origin: germline.
Comment: In summary, the available evidence is currently insufficient to determine the role of this variant in disease. Therefore, it has been classified as a Variant of Uncertain Significance. This sequence change falls in intron 10 of the WNK1 gene. It does not directly change the encoded amino acid sequence of the WNK1 protein. It affects a nucleotide within the consensus splice site. This variant is not present in population databases (gnomAD no frequency). This variant has not been reported in the literature in individuals affected with WNK1-related conditions. Variants that disrupt the consensus splice site are a relatively common cause of aberrant splicing (PMID: 17576681, 9536098). Algorithms developed to predict the effect of sequence changes on RNA splicing suggest that this variant is not likely to affect RNA splicing.

Literature cited by the submitters: PubMed 17576681; PubMed 9536098.